The following is an entry in ClinVar:

NM_001374675.1(HSF4):c.821G>A (p.Gly274Glu)

Gene: HSF4 (heat shock transcription factor 4; plus strand). Cytogenetic location: 16q22.1.
Variant type: single nucleotide variant.
Coding change: c.821G>A on transcript NM_001374675.1 (MANE Select); coding-DNA position 821, G replaced by A.
Protein change: p.Gly274Glu; replaces glycine 274 with glutamic acid.
Molecular consequence: missense variant.
Genome position (GRCh38, 1-based): chr16:67,167,566, G>A. VCF-style: chr16-67167566-G-A. GRCh37 (hg19) VCF-style: chr16-67201469-G-A.
Other names: c.821G>A, p.Gly274Glu (NM_001040667.3); c.835G>A, p.Gly279Arg (NM_001374674.1, NM_001538.4); short protein forms G279R, G274E.
Identifiers: ClinVar variation 2729322 (VCV002729322.3), dbSNP rs2507020934, ClinGen allele CA396271285.
Genomic context (GRCh38, chr16:67,167,566, plus strand): 5'-CTCACAGGGCCAGGGGCCCCATCATCTCTGACATCCCAGAAGACTCTCCATCCCCTGAGG[G>A]GACCAGGCTTTCTCCCTCCAGTGATGGCAGGAGGTAAGGGGGACAGGGCTGCCCCTGAGG-3'
Protein context (NP_001361604.1, residues 264-284): DIPEDSPSPE[Gly274Glu]TRLSPSSDGR

ClinVar aggregate classification (germline): Uncertain significance (1 of 4 stars; one submission).

Conditions:
Cataract 5 multiple types (CTRCT5). Also called: CATARACT 5, LAMELLAR; CATARACT, MARNER TYPE; Lamellar cataract. Identifiers: Orphanet 91492, MedGen C0266537, MONDO:0007290, OMIM 116800, HP:0007971.

Submission:

Labcorp Genetics (formerly Invitae), Labcorp
Classification: Uncertain significance for Cataract 5 multiple types. Last evaluated: 2023-07-29. Review status: criteria provided, single submitter. Criteria: Invitae Variant Classification Sherloc (09022015). Collection method: clinical testing. Allele origin: germline.
Comment: This sequence change replaces glycine, which is neutral and non-polar, with arginine, which is basic and polar, at codon 279 of the HSF4 protein (p.Gly279Arg). In summary, the available evidence is currently insufficient to determine the role of this variant in disease. Therefore, it has been classified as a Variant of Uncertain Significance. Advanced modeling of protein sequence and biophysical properties (such as structural, functional, and spatial information, amino acid conservation, physicochemical variation, residue mobility, and thermodynamic stability) performed at Invitae indicates that this missense variant is not expected to disrupt HSF4 protein function. This variant has not been reported in the literature in individuals affected with HSF4-related conditions. This variant is not present in population databases (gnomAD no frequency).